The following is an entry in ClinVar:

NM_003673.4(TCAP):c.34GAG[1] (p.Glu13del)

Gene: TCAP (titin-cap; plus strand). Cytogenetic location: 17q12.
Variant type: Microsatellite.
Coding change: c.34GAG[1] on transcript NM_003673.4 (MANE Select); one copy of the 3-base unit GAG starting at c.34; the reference has two copies in a row; one copy, 3 bases deleted; also written c.37_39del.
Protein change: p.Glu13del; deletes glutamic acid 13.
Molecular consequence: inframe deletion.
Genome position (GRCh38, 1-based): chr17:39,665,396-39,665,398, GAG deleted; deleting any 3 consecutive bases within chr17:39,665,392-39,665,398 gives the same sequence; the position shown is the placement nearest the transcript's 3' end. VCF-style (leftmost placement, unchanged base first): chr17-39665391-CGGA-C. GRCh37 (hg19) VCF-style: chr17-37821644-CGGA-C.
Other names: c.37_39delGAG (NM_003673.3); c.37_39del (NM_003673.4); short protein forms E13del.
Identifiers: ClinVar variation 44707 (VCV000044707.86), dbSNP rs397516862, ClinGen allele CA134920.

ClinVar aggregate classification (germline): Conflicting classifications of pathogenicity. Review status: criteria provided, conflicting classifications (1 of 4 stars). 18 submissions from 18 submitters: Uncertain significance (1); Benign (5); Likely benign (12). Last evaluated 2026-02-04.

Conditions:
Primary familial hypertrophic cardiomyopathy (HCM). Identifiers: Orphanet 99739, MedGen C0949658, MeSH D024741, MONDO:0024573. Inheritance: Various modes of inheritance.
Hypertrophic cardiomyopathy 25 (CMH25). Also called: CARDIOMYOPATHY, FAMILIAL HYPERTROPHIC, 25. Identifiers: MedGen C4225408, MONDO:0011843, OMIM 607487.
Cardiovascular phenotype. Identifiers: MedGen CN230736.
Long QT syndrome (LQTS). Identifiers: MedGen C0023976, MeSH D008133, MONDO:0002442. Disease mechanism: loss of function. Inheritance: Various modes of inheritance.
Cardiomyopathy (CMYO). Also called: Cardiomyopathies. Identifiers: Orphanet 167848, MedGen C0878544, MONDO:0004994, HP:0001638. Inheritance: Various modes of inheritance.
Hypertrophic cardiomyopathy 1 (CMH1). Also called: Familial hypertrophic cardiomyopathy 1; MYH7-Related Familial Hypertrophic Cardiomyopathy. Identifiers: MedGen C3495498, MONDO:0008647, OMIM 192600.

Submissions (18):

Labcorp Genetics (formerly Invitae), Labcorp
Classification: Likely benign for Hypertrophic cardiomyopathy 25; Primary familial hypertrophic cardiomyopathy. Last evaluated: 2026-02-04. Review status: criteria provided, single submitter. Criteria: Invitae Variant Classification Sherloc (09022015). Collection method: clinical testing. Allele origin: germline.

CeGaT Center for Human Genetics Tuebingen
Classification: Likely benign. Last evaluated: 2025-12-01. Review status: criteria provided, single submitter. Criteria: CeGaT Center For Human Genetics Tuebingen Variant Classification Criteria Version 2. Collection method: clinical testing. Allele origin: germline. Affected: yes. Observed: 7 variant alleles.
Comment: TCAP: PM4:Supporting, BS2

Mayo Clinic Laboratories, Mayo Clinic
Classification: Likely benign. Last evaluated: 2025-08-03. Review status: criteria provided, single submitter. Criteria: ACMG Guidelines, 2015. Collection method: clinical testing. Allele origin: germline. Observed: 5 variant alleles.
Comment: BS1, PM4_supporting

Blueprint Genetics
Classification: Likely benign. Last evaluated: 2024-11-26. Review status: criteria provided, single submitter. Criteria: ACMG Guidelines, 2015. Collection method: clinical testing. Allele origin: germline.

Dept of Medical Biology, Uskudar University
Classification: Benign for Long QT syndrome. Last evaluated: 2024-01-08. Review status: criteria provided, single submitter. Criteria: Dept of Medical Biology Variant Classification. Collection method: research. Allele origin: paternal. Affected: yes. Observed: 1 variant allele.
Comment: Criteria: BS1, BS2, PM4

ARUP Laboratories, Molecular Genetics and Genomics, ARUP Laboratories
Classification: Likely benign. Last evaluated: 2020-02-03. Review status: criteria provided, single submitter. Criteria: ARUP Molecular Germline Variant Investigation Process. Collection method: clinical testing. Allele origin: germline.

Mendelics
Classification: Likely benign for Hypertrophic cardiomyopathy 25. Last evaluated: 2019-05-28. Review status: criteria provided, single submitter. Criteria: Mendelics Assertion Criteria 2017. Collection method: clinical testing. Allele origin: unknown.

Laboratory for Molecular Medicine, Mass General Brigham Personalized Medicine
Classification: Benign. Last evaluated: 2019-05-10. Review status: criteria provided, single submitter. Criteria: LMM Criteria. Collection method: clinical testing. Allele origin: germline. Observed: 6 variant alleles.
Comment: The p.Glu13del variant in TCAP is classified as benign because it has been identified in 0.4% (43/10340) of Ashkenazi Jewish chromosomes (including one homozygote) and in 0.1% (182/128862) of European chromosomes by gnomAD. ACMG/AMP Criteria applied: BA1.

Women's Health and Genetics/Laboratory Corporation of America, LabCorp
Classification: Benign. Last evaluated: 2018-09-03. Review status: criteria provided, single submitter. Criteria: LabCorp Variant Classification Summary - May 2015. Collection method: clinical testing. Allele origin: germline.
Comment: Variant summary: TCAP c.37_39delGAG (p.Glu13del) results in an in-frame deletion that is predicted to remove one amino acids from the encoded protein. The variant allele was found at a frequency of 0.001 in 276952 control chromosomes in the gnomAD database, including 1 homozygotes. The observed variant frequency is approximately 40-fold of the estimated maximal expected allele frequency for a pathogenic variant in TCAP causing Cardiomyopathy phenotype (2.5e-05), strongly suggesting that the variant is benign. The variant, c.37_39delGAG, has been reported in the literature in individuals affected with Cardiomyopathy as well as in controls (Marziliano_2006, Perrot_2006). In vitro studies have shown the variant to result in the inability to bind the titin N-terminus due to the loss of proper formation of the telethonin B-hairpin structure, which the authors state may in fact be harmless (Knoll_2011). Nine clinical diagnostic laboratories have submitted clinical-significance assessments for this variant to ClinVar after 2014 without evidence for independent evaluation. Multiple laboratories reported the variant with conflicting assessments. One cardiology center (via ClinVar), reports the variant in HCM family members who also carried a pathogenic MYBPC3 variant, and in another family, the variant did not segregate with disease in all affected family members. Based on the evidence outlined above, the variant was classified as benign.

Ambry Genetics
Classification: Likely benign for Cardiovascular phenotype. Last evaluated: 2018-08-06. Review status: criteria provided, single submitter. Criteria: Ambry Variant Classification Scheme 2023. Collection method: clinical testing. Allele origin: germline.

CHEO Genetics Diagnostic Laboratory, Children's Hospital of Eastern Ontario
Classification: Benign for Cardiomyopathy. Last evaluated: 2018-03-08. Review status: criteria provided, single submitter. Criteria: ACMG Guidelines, 2015. Collection method: clinical testing. Allele origin: germline.

Molecular Diagnostic Laboratory for Inherited Cardiovascular Disease, Montreal Heart Institute
Classification: Likely benign. Last evaluated: 2017-04-20. Review status: criteria provided, single submitter. Criteria: ACMG Guidelines, 2015. Collection method: clinical testing. Allele origin: germline. Affected: yes.

Agnes Ginges Centre for Molecular Cardiology, Centenary Institute
Classification: Benign for Hypertrophic cardiomyopathy 1. Last evaluated: 2017-03-16. Review status: criteria provided, single submitter. Criteria: Agnes Ginges Centre for Molecular Cardiology criteria (2015). Collection method: research. Allele origin: germline. Inheritance: Autosomal dominant inheritance. Affected: yes.
Comment: The TCAP Glu13del variant has been previously identified in multiple HCM and DCM patients (Bos JM, et al., 2006; Perrot A, et al., 2006; Marziliano N, et al., 2006; Anderson PS, et al., 2009; Hirtle-Lewis M, et al., 2013; Pugh TJ, et al., 2014), however it has also been identified control cohorts at an allele frequency of up to 0.5% (Perrot A, et al., 2006; Marziliano N, et al., 2006; Anderson PS, et al., 2009). In vitro functional evaluations have shown that the TCAP Glu13del variant causes improper formation of telethonin Î²-hairpin structure necessary for titin binding, that may in fact be harmless (Knoll R, et al., 2011). The variant is present in the Exome Aggregation Consortium dataset (MAF= 0.00095). We identified this variant in 3 HCM probands. In another family it was found to cosegregate in two affected family members, but did not segregate to a third affected family member. In summary, based on identification of the variant in controls, high allele frequency, as well as the lack of segregation in our family, we classify TCAP Glu13del as a "benign" variant.

Genetic Services Laboratory, University of Chicago
Classification: Uncertain significance. Last evaluated: 2016-09-02. Review status: criteria provided, single submitter. Criteria: ACMG Guidelines, 2015. Collection method: clinical testing. Allele origin: germline. Affected: no.

Eurofins Ntd Llc (ga)
Classification: Likely benign. Last evaluated: 2015-08-19. Review status: criteria provided, single submitter. Criteria: EGL Classification Definitions 2015. Collection method: clinical testing. Allele origin: germline. Observed: 2 variant alleles, 2 heterozygotes.

GeneDx
Classification: Likely benign. Last evaluated: 2014-10-28. Review status: criteria provided, single submitter. Criteria: GeneDx Variant Classification (06012015). Collection method: clinical testing. Allele origin: germline. Affected: yes.
Comment: The variant is found in DCM,CARDIOMYOPATHY panel(s).

Biesecker Lab/Clinical Genomics Section, National Institutes of Health
Classification: Likely benign. Last evaluated: 2013-06-24. Review status: criteria provided, single submitter. Criteria: Ng et al. (Circ Cardiovasc Genet. 2013). Collection method: research. Allele origin: unknown. Observed: 3 variant alleles. Study: ClinSeq.
Comment: The study set was not selected for affection status in relation to any cancer. Pathogenicity categories were based on literature curation. See Pubmed ID:23861362 for details.

Medical sequencing

PreventionGenetics, part of Exact Sciences
Classification: Likely benign. Review status: criteria provided, single submitter. Criteria: ACMG Guidelines, 2015. Collection method: clinical testing. Allele origin: germline.

Literature cited by the submitters: PubMed 16490376 (cited by 5 submitters); PubMed 16650785 (cited by 5 submitters); PubMed 27532257 (cited by Mayo Clinic Laboratories, Mayo Clinic and Ambry Genetics); PubMed 39678382 (cited by Mayo Clinic Laboratories, Mayo Clinic); PubMed 16352453 (cited by 3 submitters); PubMed 24037902 (cited by 3 submitters); PubMed 19035361 (cited by 3 submitters); PubMed 23785128 (cited by Laboratory for Molecular Medicine, Mass General Brigham Personalized Medicine); PubMed 20044516 (cited by Women's Health and Genetics/Laboratory Corporation of America, LabCorp); PubMed 27788187 (cited by Ambry Genetics); PubMed 23861362 (cited by Agnes Ginges Centre for Molecular Cardiology, Centenary Institute); PubMed 24503780 (cited by Agnes Ginges Centre for Molecular Cardiology, Centenary Institute); PubMed 21799151 (cited by Agnes Ginges Centre for Molecular Cardiology, Centenary Institute).